The following is an entry in ClinVar:

ClinVar aggregate classification (germline): Uncertain significance (1 of 4 stars; one submission).

Conditions:
Acute myeloid leukemia (AML). Also called: Acute myeloid leukemia, adult; AML adult; Acute non-lymphocytic leukemia; Acute granulocytic leukemia; Leukemia, acute myeloid, somatic; Leukemia, acute myelogenous, somatic. Identifiers: Orphanet 519, MedGen C0023467, MeSH D015470, MONDO:0018874, OMIM 601626, HP:0004808. Disease mechanism: Constitutively activated FLT3.

Allele frequency attached by ClinVar (database versions not stated): gnomAD exomes below 0.00001.
gnomAD v4.1: 1 of 1,186,332 alleles (0.000084%); highest among the groups gnomAD compares: Non-Finnish European, 0.0001%; no homozygotes.

Submission:

Labcorp Genetics (formerly Invitae), Labcorp
Classification: Uncertain significance for Acute myeloid leukemia. Last evaluated: 2022-02-27. Review status: criteria provided, single submitter. Criteria: Invitae Variant Classification Sherloc (09022015). Collection method: clinical testing. Allele origin: germline.
Comment: In summary, the available evidence is currently insufficient to determine the role of this variant in disease. Therefore, it has been classified as a Variant of Uncertain Significance. Algorithms developed to predict the effect of missense changes on protein structure and function (SIFT, PolyPhen-2, Align-GVGD) all suggest that this variant is likely to be tolerated. This variant has not been reported in the literature in individuals affected with CEBPA-related conditions. The frequency data for this variant in the population databases is considered unreliable, as metrics indicate insufficient coverage at this position in the gnomAD database. This sequence change replaces proline, which is neutral and non-polar, with histidine, which is basic and polar, at codon 127 of the CEBPA protein (p.Pro127His).

NM_004364.5(CEBPA):c.380C>A (p.Pro127His)

Gene: CEBPA (CCAAT enhancer binding protein alpha; minus strand). Cytogenetic location: 19q13.11.
Variant type: single nucleotide variant.
Coding change: c.380C>A on transcript NM_004364.5 (MANE Select); coding-DNA position 380, C replaced by A.
Protein change: p.Pro127His; replaces proline 127 with histidine.
Molecular consequence: missense variant.
Genome position (GRCh38, 1-based): chr19:33,302,035, G>T on the plus strand (C>A on the coding strand, the complement: CEBPA is on the minus strand). VCF-style: chr19-33302035-G-T. GRCh37 (hg19) VCF-style: chr19-33792941-G-T.
Other names: c.23C>A, p.Pro8His (NM_001285829.2); c.485C>A, p.Pro162His (NM_001287424.2); c.338C>A, p.Pro113His (NM_001287435.2); short protein forms P8H, P113H, P127H, P162H.
Identifiers: ClinVar variation 2086679 (VCV002086679.4), dbSNP rs2513331760, ClinGen allele CA405275073.